The following is an entry in ClinVar:

ClinVar aggregate classification (germline): Uncertain significance. Review status: criteria provided, multiple submitters, no conflicts (2 of 4 stars). 2 submissions from 2 submitters: Uncertain significance (2). Last evaluated 2025-04-18.

Allele frequency attached by ClinVar (database versions not stated): gnomAD 0.00001; gnomAD exomes 0.00003; TOPMed 0.00003; ExAC 0.00006; 1000 Genomes Project 30x 0.00016.

Submissions (2):

Labcorp Genetics (formerly Invitae), Labcorp
Classification: Uncertain significance. Last evaluated: 2025-04-18. Review status: criteria provided, single submitter. Criteria: Invitae Variant Classification Sherloc (09022015). Collection method: clinical testing. Allele origin: germline.
Comment: This sequence change replaces leucine, which is neutral and non-polar, with valine, which is neutral and non-polar, at codon 489 of the RNF31 protein (p.Leu489Val). This variant is present in population databases (rs774336017, gnomAD 0.03%). This variant has not been reported in the literature in individuals affected with RNF31-related conditions. ClinVar contains an entry for this variant (Variation ID: 1479866). An algorithm developed to predict the effect of missense changes on protein structure and function (PolyPhen-2) suggests that this variant is likely to be tolerated. In summary, the available evidence is currently insufficient to determine the role of this variant in disease. Therefore, it has been classified as a Variant of Uncertain Significance.

Ambry Genetics
Classification: Uncertain significance. Last evaluated: 2025-03-07. Review status: criteria provided, single submitter. Criteria: Ambry Variant Classification Scheme 2023. Collection method: clinical testing. Allele origin: germline.

NM_017999.5(RNF31):c.1465C>G (p.Leu489Val)

Gene: RNF31 (ring finger protein 31; plus strand). Cytogenetic location: 14q12.
Variant type: single nucleotide variant.
Coding change: c.1465C>G on transcript NM_017999.5 (MANE Select); coding-DNA position 1465, C replaced by G.
Protein change: p.Leu489Val; replaces leucine 489 with valine.
Molecular consequence: missense variant.
Genome position (GRCh38, 1-based): chr14:24,150,865, C>G. VCF-style: chr14-24150865-C-G. GRCh37 (hg19) VCF-style: chr14-24620074-C-G.
Other names: c.1465C>G (NM_017999.4); c.1012C>G, p.Leu338Val (NM_001310332.2); short protein forms L489V, L338V.
Identifiers: ClinVar variation 1479866 (VCV001479866.7), dbSNP rs774336017, ClinGen allele CA7125775.
Genomic context (GRCh38, chr14:24,150,865, plus strand): 5'-CTGCCCAGTTCCTGTGGAGATCCTGAGAAGCAGCGCCAAGACAAGATGCGGGAAGAAGGC[C>G]TCCAGCTAGTGAGCATGATCCGGGTAAGGACTGGGCCTGCGATGAGGTAGGGCTGAGCTG-3'
Protein context (NP_060469.4, residues 479-499): QRQDKMREEG[Leu489Val]QLVSMIREGE